The following is an entry in ClinVar:

ClinVar aggregate classification (germline): Uncertain significance (1 of 4 stars; one submission).

Submission:

Labcorp Genetics (formerly Invitae), Labcorp
Classification: Uncertain significance. Last evaluated: 2022-07-19. Review status: criteria provided, single submitter. Criteria: Invitae Variant Classification Sherloc (09022015). Collection method: clinical testing. Allele origin: germline.
Comment: This sequence change creates a premature translational stop signal (p.Glu1040*) in the CYFIP2 gene. It is expected to result in an absent or disrupted protein product. However, the current clinical and genetic evidence is not sufficient to establish whether loss-of-function variants in CYFIP2 cause disease. This variant is not present in population databases (gnomAD no frequency). This premature translational stop signal has been observed in individual(s) with clinical features of CYFIP2-related conditions (Invitae). In summary, the available evidence is currently insufficient to determine the role of this variant in disease. Therefore, it has been classified as a Variant of Uncertain Significance.

NM_001037333.3(CYFIP2):c.3118G>T (p.Glu1040Ter)

Genes: CYFIP2 (cytoplasmic FMR1 interacting protein 2; plus strand), NIPAL4-DT (NIPAL4 divergent transcript; minus strand). Cytogenetic location: 5q33.3.
Variant type: single nucleotide variant.
Coding change: c.3118G>T on transcript NM_001037333.3 (MANE Select); coding-DNA position 3118, G replaced by T.
Protein change: p.Glu1040Ter; replaces glutamic acid 1040 with a stop codon.
Molecular consequence: nonsense.
Genome position (GRCh38, 1-based): chr5:157,383,270, G>T. VCF-style: chr5-157383270-G-T. GRCh37 (hg19) VCF-style: chr5-156810278-G-T.
Other names: c.3040G>T, p.Glu1014Ter (NM_001291721.2); c.3193G>T, p.Glu1065Ter (NM_001291722.2); c.3118G>T, p.Glu1040Ter (NM_014376.4); short protein forms E1014*, E1040*, E1065*.
Identifiers: ClinVar variation 2018051 (VCV002018051.4), dbSNP rs2532696269, ClinGen allele CA361981091.
Genomic context (GRCh38, chr5:157,383,270, plus strand): 5'-CCAGTTGCCCTGTGTTCCCTGAGTCTCATTTTCTGCTCTGCGACTCCTTTTGCAGAGGGG[G>T]AGCGCCTGGAGGTCCGGATGAAACGTCTGGAAGCCAAGTATGCCCCGCTCCACCTGGTCC-3'